The following is an entry in ClinVar:

NM_001384140.1(PCDH15):c.973dup (p.Ser325fs)

Gene: PCDH15 (protocadherin related 15; minus strand). Cytogenetic location: 10q21.1.
Variant type: Duplication.
Coding change: c.973dup on transcript NM_001384140.1 (MANE Select); coding-DNA position 973, one base duplicated (T; older notation c.973dupT).
Protein change: p.Ser325fs; shifts the reading frame from serine 325.
Molecular consequence: frameshift variant.
Genome position (GRCh38, 1-based): chr10:54,236,835, A duplicated on the plus strand (T on the coding strand, the reverse complement: PCDH15 is on the minus strand); the first of 2 consecutive A bases (chr10:54,236,835-54,236,836); duplicating either gives the same sequence. VCF-style (leftmost placement, unchanged base first): chr10-54236834-G-GA. GRCh37 (hg19) VCF-style: chr10-55996594-G-GA.
Other names: c.988dup, p.Ser330fs (NM_001142763.2, NM_001142771.2); c.973dup, p.Ser325fs (NM_001142764.2, NM_001142765.2, NM_001142766.2 and 7 more transcripts); c.862dup, p.Ser288fs (NM_001142767.2); c.907dup, p.Ser303fs (NM_001142768.2, NM_001142773.2, NM_001354404.2); c.987dup, p.Ser330Phefs (NM_001142769.4); short protein forms S303fs, S325fs, S288fs, S330fs.
Identifiers: ClinVar variation 2823447 (VCV002823447.3), dbSNP rs2540221793, ClinGen allele CA2739265389.
Genomic context (GRCh38, chr10:54,236,834, plus strand): 5'-TGTAAGATTCTAGAATAACTGATAGTGTAAAATGTTATCAGATACAAACCAACAAGGATG[G>GA]AATAGAGGATTCCTGGCCTATCTGATGGCGGTTGAATATTCCGGTCCTGATCAATGGCTT-3'

ClinVar aggregate classification (germline): Pathogenic (1 of 4 stars; one submission).

Submission:

Labcorp Genetics (formerly Invitae), Labcorp
Classification: Pathogenic. Last evaluated: 2022-12-23. Review status: criteria provided, single submitter. Criteria: Invitae Variant Classification Sherloc (09022015). Collection method: clinical testing. Allele origin: germline.
Comment: This variant is not present in population databases (gnomAD no frequency). This sequence change creates a premature translational stop signal (p.Ser325Phefs*8) in the PCDH15 gene. It is expected to result in an absent or disrupted protein product. Loss-of-function variants in PCDH15 are known to be pathogenic (PMID: 11398101, 11487575, 14570705). This variant has not been reported in the literature in individuals affected with PCDH15-related conditions. For these reasons, this variant has been classified as Pathogenic.

Literature cited by the submitters: PubMed 11398101; PubMed 11487575; PubMed 14570705.